The following is an entry in ClinVar:

ClinVar aggregate classification (germline): Uncertain significance (1 of 4 stars; one submission).

Conditions:
Autoimmune lymphoproliferative syndrome type 1. Also called: AUTOIMMUNE LYMPHOPROLIFERATIVE SYNDROME, TYPE I, AUTOSOMAL DOMINANT. Identifiers: Orphanet 3261, MedGen C2717884, MONDO:0011158, OMIM 601859.

Submission:

Labcorp Genetics (formerly Invitae), Labcorp
Classification: Uncertain significance for Autoimmune lymphoproliferative syndrome. Last evaluated: 2022-05-15. Review status: criteria provided, single submitter. Criteria: Invitae Variant Classification Sherloc (09022015). Collection method: clinical testing. Allele origin: germline.
Comment: In summary, the available evidence is currently insufficient to determine the role of this variant in disease. Therefore, it has been classified as a Variant of Uncertain Significance. Algorithms developed to predict the effect of missense changes on protein structure and function (SIFT, PolyPhen-2, Align-GVGD) all suggest that this variant is likely to be disruptive. This variant has not been reported in the literature in individuals affected with FASLG-related conditions. This variant is not present in population databases (gnomAD no frequency). This sequence change replaces glycine, which is neutral and non-polar, with aspartic acid, which is acidic and polar, at codon 151 of the FASLG protein (p.Gly151Asp).

NM_000639.3(FASLG):c.452G>A (p.Gly151Asp)

Gene: FASLG (Fas ligand; plus strand). Cytogenetic location: 1q24.3.
Variant type: single nucleotide variant.
Coding change: c.452G>A on transcript NM_000639.3 (MANE Select); coding-DNA position 452, G replaced by A.
Protein change: p.Gly151Asp; replaces glycine 151 with aspartic acid.
Molecular consequence: missense variant. On other transcripts: 3 prime UTR variant (1).
Genome position (GRCh38, 1-based): chr1:172,665,622, G>A. VCF-style: chr1-172665622-G-A. GRCh37 (hg19) VCF-style: chr1-172634762-G-A.
Other names: c.*22G>A (NM_001302746.2); short protein forms G151D.
Identifiers: ClinVar variation 2134517 (VCV002134517.4), dbSNP rs2527597306, ClinGen allele CA343805882.